The following is an entry in ClinVar:

ClinVar aggregate classification (germline): Conflicting classifications of pathogenicity. Review status: criteria provided, conflicting classifications (1 of 4 stars). 11 submissions from 11 submitters: Uncertain significance (8); Likely benign (1). 2 of the submissions do not count toward it. Last evaluated 2026-01-08.

Conditions:
Facial dysmorphism-immunodeficiency-livedo-short stature syndrome. Also called: Facial dysmorphism, immunodeficiency, livedo, and short stature; FILS syndrome. Identifiers: Orphanet 352712, MedGen C3554576, MONDO:0014058, OMIM 615139.
Colorectal cancer, susceptibility to, 12 (CRCS12). Also called: COLORECTAL CANCER, SUSCEPTIBILITY TO, ON CHROMOSOME 12q24. Identifiers: Orphanet 220460, MedGen C3554460, MONDO:0014038, OMIM 615083.
Intrauterine growth retardation, metaphyseal dysplasia, adrenal hypoplasia congenita, genital anomalies, and immunodeficiency. Also called: IMAGEI SYNDROME. Identifiers: MedGen C5193036, MONDO:0032684, OMIM 618336.
Hereditary cancer-predisposing syndrome. Also called: Hereditary neoplastic syndrome; Neoplastic Syndromes, Hereditary; Hereditary Cancer Syndrome; Tumor predisposition. Identifiers: Orphanet 140162, MedGen C0027672, MeSH D009386, MONDO:0015356.

Allele frequency attached by ClinVar (database versions not stated): gnomAD 0.00005; TOPMed 0.00008.
gnomAD v4.1: 122 of 1,612,126 alleles (0.0076%); highest among the groups gnomAD compares: Middle Eastern, 0.034%; no homozygotes.

Submissions (11):

Labcorp Genetics (formerly Invitae), Labcorp
Classification: Uncertain significance. Last evaluated: 2026-01-08. Review status: criteria provided, single submitter. Criteria: Invitae Variant Classification Sherloc (09022015). Collection method: clinical testing. Allele origin: germline.
Comment: This sequence change replaces arginine, which is basic and polar, with histidine, which is basic and polar, at codon 1286 of the POLE protein (p.Arg1286His). This variant is present in population databases (rs771823596, gnomAD 0.02%). This missense change has been observed in individual(s) with clinical features of attenuated adenomatous polyposis (PMID: 30765821, 31285513, 35957908). ClinVar contains an entry for this variant (Variation ID: 405702). Invitae Evidence Modeling of protein sequence and biophysical properties (such as structural, functional, and spatial information, amino acid conservation, physicochemical variation, residue mobility, and thermodynamic stability) has been performed for this missense variant. However, the output from this modeling did not meet the statistical confidence thresholds required to predict the impact of this variant on POLE protein function. In summary, the available evidence is currently insufficient to determine the role of this variant in disease. Therefore, it has been classified as a Variant of Uncertain Significance.

Center for Genomic Medicine, Rigshospitalet, Copenhagen University Hospital
Classification: Likely benign. Last evaluated: 2025-12-29. Review status: criteria provided, single submitter. Criteria: ACMG Guidelines, 2015. Collection method: clinical testing. Allele origin: germline.
Comment: Classification criteria: BA1

GeneDx
Classification: Uncertain significance. Last evaluated: 2025-07-02. Review status: criteria provided, single submitter. Criteria: GeneDx Variant Classification Process June 2021. Collection method: clinical testing. Allele origin: germline. Affected: yes.
Comment: In silico analysis supports that this missense variant has a deleterious effect on protein structure/function; This variant is associated with the following publications: (PMID: 30765821, 32546565, 31285513, 35957908, 35534704)

Ambry Genetics
Classification: Uncertain significance for Hereditary cancer-predisposing syndrome. Last evaluated: 2024-08-23. Review status: criteria provided, single submitter. Criteria: Ambry Variant Classification Scheme 2023. Collection method: clinical testing. Allele origin: germline.
Comment: The p.R1286H variant (also known as c.3857G>A), located in coding exon 31 of the POLE gene, results from a G to A substitution at nucleotide position 3857. The arginine at codon 1286 is replaced by histidine, an amino acid with highly similar properties. This variant was reported in an individual with multiple adenomatous polyps (Lorca V et al. Sci Rep, 2019 Jul;9:9814). This amino acid position is highly conserved in available vertebrate species. In addition, the in silico prediction for this alteration is inconclusive. Based on the available evidence, the clinical significance of this variant remains unclear.

Blueprint Genetics
Classification: Uncertain significance. Last evaluated: 2024-02-15. Review status: criteria provided, single submitter. Criteria: ACMG Guidelines, 2015. Collection method: clinical testing. Allele origin: germline.

Department of Pathology and Laboratory Medicine, Sinai Health System
Classification: Uncertain significance for Colorectal cancer, susceptibility to, 12; Facial dysmorphism-immunodeficiency-livedo-short stature syndrome; Intrauterine growth retardation, metaphyseal dysplasia, adrenal hypoplasia congenita, genital anomalies, and immunodeficiency. Last evaluated: 2023-10-03. Review status: criteria provided, single submitter. Criteria: ACMG Guidelines, 2015. Collection method: clinical testing. Allele origin: germline. Affected: yes.

ARUP Laboratories, Molecular Genetics and Genomics, ARUP Laboratories
Classification: Uncertain significance. Last evaluated: 2021-06-22. Review status: criteria provided, single submitter. Criteria: ARUP Molecular Germline Variant Investigation Process 2021. Collection method: clinical testing. Allele origin: germline.
Comment: The POLE c.3857G>A; p.Arg1286His variant (rs771823596) is reported in the literature in an individual with attenuated adenomatous polyposis, but was not determined to be causative (Lorca 2019). The variant is listed in the ClinVar database (Variation ID: 405702) and is found in the general population with an overall allele frequency of 0.005% (14/272,190 alleles). The arginine at codon 1286 is highly conserved but computational analyses are uncertain whether this variant is neutral or deleterious (REVEL 0.481). This variant is not located in the exonuclease domain (Palles 2013), and gene-disease association has not been established for variants outside of the exonuclease domain (Seifert 2019). However, given the lack of clinical and functional data, the significance of the p.Arg1286His variant is uncertain at this time. References: Seifert BA et al. Determining the clinical validity of hereditary colorectal cancer and polyposis susceptibility genes using the Clinical Genome Resource Clinical Validity Framework. Genet Med. 2019 Jul;21(7):1507-1516. PMID: 30523343. Lorca V et al. Contribution of New Adenomatous Polyposis Predisposition Genes in an Unexplained Attenuated Spanish Cohort by Multigene Panel Testing. Sci Rep. 2019 Jul 8;9(1):9814. PMID: 31285513. Palles C et al. Germline mutations affecting the proofreading domains of POLE and POLD1 predispose to colorectal adenomas and carcinomas. Nat Genet. 2013 Feb;45(2):136-44. PMID: 23263490.

Quest Diagnostics Nichols Institute San Juan Capistrano
Classification: Uncertain significance. Last evaluated: 2019-03-21. Review status: criteria provided, single submitter. Criteria: Quest Diagnostics criteria. Collection method: clinical testing. Allele origin: germline.

Fulgent Genetics
Classification: Uncertain significance for Colorectal cancer, susceptibility to, 12; Facial dysmorphism-immunodeficiency-livedo-short stature syndrome. Last evaluated: 2018-10-31. Review status: criteria provided, single submitter. Criteria: ACMG Guidelines, 2015. Collection method: clinical testing. Allele origin: unknown.

True Health Diagnostics
Classification: Uncertain significance for Hereditary cancer-predisposing syndrome. Last evaluated: 2018-07-13. Review status: no assertion criteria provided. Collection method: clinical testing. Allele origin: germline. Not counted in ClinVar's aggregate classification.

Molecular Oncology Laboratory, Hospital Clínico San Carlos
Classification: Uncertain significance for Colorectal cancer, susceptibility to, 12. Last evaluated: 2018-06-01. Review status: no assertion criteria provided. Criteria: ACMG Guidelines, 2015. Collection method: clinical testing. Allele origin: germline. Inheritance: Autosomal dominant inheritance. Affected: yes. Not counted in ClinVar's aggregate classification.

Literature cited by the submitters: PubMed 30765821 (cited by Labcorp Genetics (formerly Invitae), Labcorp and Quest Diagnostics Nichols Institute San Juan Capistrano); PubMed 31285513 (cited by 3 submitters); PubMed 35957908 (cited by Labcorp Genetics (formerly Invitae), Labcorp); PubMed 37848928 (cited by Center for Genomic Medicine, Rigshospitalet, Copenhagen University Hospital).

NM_006231.4(POLE):c.3857G>A (p.Arg1286His)

Gene: POLE (DNA polymerase epsilon, catalytic subunit; minus strand). Cytogenetic location: 12q24.33.
Variant type: single nucleotide variant.
Coding change: c.3857G>A on transcript NM_006231.4 (MANE Select); coding-DNA position 3857, G replaced by A.
Protein change: p.Arg1286His; replaces arginine 1286 with histidine.
Molecular consequence: missense variant.
Genome position (GRCh38, 1-based): chr12:132,649,454, C>T on the plus strand (G>A on the coding strand, the complement: POLE is on the minus strand). VCF-style: chr12-132649454-C-T. GRCh37 (hg19) VCF-style: chr12-133226040-C-T.
Other names: short protein forms R1286H.
Identifiers: ClinVar variation 405702 (VCV000405702.32), dbSNP rs771823596, ClinGen allele CA6893072.